The following is an entry in ClinVar:

NM_000264.5(PTCH1):c.1416_1419del (p.Gly473fs)

Gene: PTCH1 (patched 1; minus strand). Cytogenetic location: 9q22.32.
Variant type: Microsatellite.
Coding change: c.1416_1419del on transcript NM_000264.5 (MANE Select); coding-DNA positions 1416 to 1419, 4 bases deleted (TGGC; older notation c.1416_1419delTGGC).
Protein change: p.Gly473fs; shifts the reading frame from glycine 473.
Molecular consequence: frameshift variant. On other transcripts: non-coding transcript variant (1), intron variant (1).
Genome position (GRCh38, 1-based): chr9:95,477,631-95,477,634, GCCA deleted on the plus strand (TGGC on the coding strand, the reverse complement: PTCH1 is on the minus strand); deleting any 4 consecutive bases within chr9:95,477,631-95,477,641 gives the same sequence; the c. name uses the placement nearest the transcript's 3' end. VCF-style (leftmost placement, unchanged base first): chr9-95477630-CGCCA-C. GRCh37 (hg19) VCF-style: chr9-98239912-CGCCA-C.
Other names: c.1218_1221del, p.Gly407fs (NM_001083602.3); c.1413_1416del, p.Gly472fs (NM_001083603.3); c.963_966del, p.Gly322fs (NM_001083604.3, NM_001083605.3, NM_001083606.3 and 1 more transcripts); c.1347+421_1347+424del (NM_001354918.2); short protein forms G322fs, G407fs, G472fs, G473fs.
Identifiers: ClinVar variation 580740 (VCV000580740.10), dbSNP rs1564050178, ClinGen allele CA891843139.
Genomic context (GRCh38, chr9:95,477,630, plus strand): 5'-AAATTCCGATCAATGAGCACAGGCCCAGTCCTGCAGCCACTGACAGTGCAACCAGCAGGA[CGCCA>C]GCCAGCCCCACGGCACCCTGGGACTTGGAGCAGTCCCAGCGCAGCATGGTTAGACAGGCA-3'

ClinVar aggregate classification (germline): Pathogenic (1 of 4 stars; one submission).

Conditions:
Gorlin syndrome. Also called: Basal cell nevus syndrome; Nevoid Basal Cell Carcinoma Syndrome. Identifiers: Orphanet 377, MedGen C0004779, MONDO:0007187.

Submission:

Labcorp Genetics (formerly Invitae), Labcorp
Classification: Pathogenic for Gorlin syndrome. Last evaluated: 2018-07-28. Review status: criteria provided, single submitter. Criteria: Invitae Variant Classification Sherloc (09022015). Collection method: clinical testing. Allele origin: germline.
Comment: For these reasons, this variant has been classified as Pathogenic. Loss-of-function variants in PTCH1 are known to be pathogenic (PMID: 16301862, 16419085). This variant has been reported in a family affected with nevoid basal cell carcinoma syndrome (PMID: 16301862). This variant is not present in population databases (ExAC no frequency). This sequence change creates a premature translational stop signal (p.Gly473Serfs*17) in the PTCH1 gene. It is expected to result in an absent or disrupted protein product.

Literature cited by the submitters: PubMed 16301862; PubMed 16419085.